The following is an entry in ClinVar:

NM_032520.5(GNPTG):c.856A>G (p.Thr286Ala)

Gene: GNPTG (N-acetylglucosamine-1-phosphate transferase subunit gamma; plus strand). Cytogenetic location: 16p13.3.
Variant type: single nucleotide variant.
Coding change: c.856A>G on transcript NM_032520.5 (MANE Select); coding-DNA position 856, A replaced by G.
Protein change: p.Thr286Ala; replaces threonine 286 with alanine.
Molecular consequence: missense variant.
Genome position (GRCh38, 1-based): chr16:1,363,029, A>G. VCF-style: chr16-1363029-A-G. GRCh37 (hg19) VCF-style: chr16-1413030-A-G.
Other names: c.856A>G (NM_032520.4); short protein forms T286A.
Identifiers: ClinVar variation 1005393 (VCV001005393.6), dbSNP rs2034960102, ClinGen allele CA394188908.

ClinVar aggregate classification (germline): Uncertain significance. Review status: criteria provided, multiple submitters, no conflicts (2 of 4 stars). 2 submissions from 2 submitters: Uncertain significance (2). Last evaluated 2023-12-21.

Conditions:
Inborn genetic diseases. Identifiers: MedGen C0950123, MeSH D030342.

Allele frequency attached by ClinVar (database versions not stated): gnomAD 0.00001; TOPMed 0.00001.
gnomAD v4.1: 1 of 1,613,886 alleles (0.000062%); highest among the groups gnomAD compares: Admixed American, 0.0017%; no homozygotes.

Submissions (2):

Ambry Genetics
Classification: Uncertain significance for Inborn genetic diseases. Last evaluated: 2023-12-21. Review status: criteria provided, single submitter. Criteria: Ambry Variant Classification Scheme 2023. Collection method: clinical testing. Allele origin: germline.

Labcorp Genetics (formerly Invitae), Labcorp
Classification: Uncertain significance. Last evaluated: 2021-09-02. Review status: criteria provided, single submitter. Criteria: Invitae Variant Classification Sherloc (09022015). Collection method: clinical testing. Allele origin: germline.
Comment: This sequence change replaces threonine with alanine at codon 286 of the GNPTG protein (p.Thr286Ala). The threonine residue is weakly conserved and there is a small physicochemical difference between threonine and alanine. This variant is not present in population databases (ExAC no frequency). This variant has not been reported in the literature in individuals affected with GNPTG-related conditions. Algorithms developed to predict the effect of missense changes on protein structure and function output the following: SIFT: "Tolerated"; PolyPhen-2: "Benign"; Align-GVGD: "Class C0". The alanine amino acid residue is found in multiple mammalian species, which suggests that this missense change does not adversely affect protein function. In summary, the available evidence is currently insufficient to determine the role of this variant in disease. Therefore, it has been classified as a Variant of Uncertain Significance.